The following is an entry in ClinVar:

NM_000053.4(ATP7B):c.1301A>T (p.Asn434Ile)

Gene: ATP7B (ATPase copper transporting beta; minus strand). Cytogenetic location: 13q14.3.
Variant type: single nucleotide variant.
Coding change: c.1301A>T on transcript NM_000053.4 (MANE Select); coding-DNA position 1301, A replaced by T.
Protein change: p.Asn434Ile; replaces asparagine 434 with isoleucine.
Molecular consequence: missense variant. On other transcripts: intron variant (1).
Genome position (GRCh38, 1-based): chr13:51,970,734, T>A on the plus strand (A>T on the coding strand, the complement: ATP7B is on the minus strand). VCF-style: chr13-51970734-T-A. GRCh37 (hg19) VCF-style: chr13-52544870-T-A.
Other names: c.1301A>T, p.Asn434Ile (NM_001406516.1, NM_001406519.1, NM_001406520.1 and 28 more transcripts); c.1205A>T, p.Asn402Ile (NM_001406517.1, NM_001406518.1, NM_001406543.1 and 3 more transcripts); c.872A>T, p.Asn291Ile (NM_001406539.1); c.1285+3201A>T (NM_001406548.1); c.968A>T, p.Asn323Ile (NM_001243182.2); short protein forms N291I, N323I, N402I, N434I.
Identifiers: ClinVar variation 3069552 (VCV003069552.2), dbSNP rs762859925, ClinGen allele CA6989379.

ClinVar aggregate classification (germline): Conflicting classifications of pathogenicity. Review status: criteria provided, conflicting classifications (1 of 4 stars). 2 submissions from 2 submitters: Uncertain significance (1); Likely benign (1). Last evaluated 2025-09-19.

Conditions:
Wilson disease (WND). Also called: Wilson's disease. Identifiers: Orphanet 905, MedGen C0019202, MONDO:0010200, OMIM 277900. Disease mechanism: loss of function.

Allele frequency attached by ClinVar (database versions not stated): TOPMed below 0.00001; ExAC 0.00001.
gnomAD v4.1: 53 of 1,613,794 alleles (0.0033%); highest among the groups gnomAD compares: Non-Finnish European, 0.0044%; no homozygotes.

Submissions (2):

Color Diagnostics, LLC DBA Color Health
Classification: Likely benign for Wilson disease. Last evaluated: 2025-09-19. Review status: criteria provided, single submitter. Criteria: ACMG Guidelines, 2015. Collection method: clinical testing. Allele origin: germline.

All of Us Research Program, National Institutes of Health
Classification: Uncertain significance for Wilson disease. Last evaluated: 2023-11-30. Review status: criteria provided, single submitter. Criteria: ACMG Guidelines, 2015. Collection method: clinical testing. Allele origin: germline. Inheritance: Autosomal recessive inheritance. Observed: 2 variant alleles, 2 heterozygotes.
Comment: This missense variant replaces asparagine with isoleucine at codon 434 of the ATP7B protein. Computational prediction suggests that this variant may not impact protein structure and function (internally defined REVEL score threshold <= 0.5, PMID: 27666373). To our knowledge, functional studies have not been reported for this variant. This variant has not been reported in individuals affected with ATP7B-related disorders in the literature. This variant has been identified in 1/248516 chromosomes in the general population by the Genome Aggregation Database (gnomAD). The available evidence is insufficient to determine the role of this variant in disease conclusively. Therefore, this variant is classified as a Variant of Uncertain Significance.

This study involves interpretation of variants in research participants for the purpose of population health screening. Participant phenotype was not available at the time of variant classification. Additional details can be found in publication PMID: 35346344, PMCID: PMC8962531